The following is an entry in ClinVar:

NM_001709.5(BDNF):c.489G>A (p.Thr163=)

Genes: BDNF (brain derived neurotrophic factor; minus strand), BDNF-AS (BDNF antisense RNA; plus strand). Cytogenetic location: 11p14.1.
Variant type: single nucleotide variant.
Coding change: c.489G>A on transcript NM_001709.5 (MANE Select); coding-DNA position 489, G replaced by A.
Protein change: p.Thr163=; no amino-acid change (threonine 163 retained).
Molecular consequence: synonymous variant.
Genome position (GRCh38, 1-based): chr11:27,658,076, C>T on the plus strand (G>A on the coding strand, the complement: BDNF is on the minus strand). VCF-style: chr11-27658076-C-T. GRCh37 (hg19) VCF-style: chr11-27679623-C-T.
Other names: c.489G>A, p.Thr163= (NM_001143805.1, NM_001143806.1, NM_001143807.2 and 9 more transcripts); c.576G>A, p.Thr192= (NM_001143809.2); c.735G>A, p.Thr245= (NM_001143810.2); c.513G>A, p.Thr171= (NM_170731.5); c.534G>A, p.Thr178= (NM_170734.4).
Identifiers: ClinVar variation 3355792 (VCV003355792.1).

ClinVar aggregate classification (germline): Likely benign (0 of 4 stars; one submission).

Conditions:
BDNF-related disorder. Also called: BDNF-related condition.

gnomAD v4.1: 53 of 1,613,990 alleles (0.0033%); highest among the groups gnomAD compares: African/African-American, 0.0067%; no homozygotes.

Submission:

PreventionGenetics, part of Exact Sciences
Classification: Likely benign for BDNF-related condition. Last evaluated: 2023-08-24. Review status: no assertion criteria provided. Collection method: clinical testing. Allele origin: germline.
Comment: This variant is classified as likely benign based on ACMG/AMP sequence variant interpretation guidelines (Richards et al. 2015 PMID: 25741868, with internal and published modifications).